The following is an entry in ClinVar:

ClinVar aggregate classification (germline): Uncertain significance (1 of 4 stars; one submission).

Conditions:
Hereditary cancer-predisposing syndrome. Also called: Neoplastic Syndromes, Hereditary; Tumor predisposition; Hereditary Cancer Syndrome; Hereditary neoplastic syndrome. Identifiers: Orphanet 140162, MedGen C0027672, MeSH D009386, MONDO:0015356.

Submissions (2):

Ambry Genetics
Classification: Uncertain significance for Hereditary cancer-predisposing syndrome. Last evaluated: 2025-07-18. Review status: criteria provided, single submitter. Criteria: Ambry Variant Classification Scheme 2023. Collection method: clinical testing. Allele origin: germline.
Comment: The p.A1812S variant (also known as c.5434G>T), located in coding exon 35 of the ATM gene, results from a G to T substitution at nucleotide position 5434. The alanine at codon 1812 is replaced by serine, an amino acid with similar properties. This amino acid position is conserved. In addition, this alteration is predicted to be tolerated by in silico analysis. Based on the available evidence, the clinical significance of this variant remains unclear.

Dr. Peter K. Rogan Lab, Western University
No classification provided (evidence only). Condition: Ovarian serous cystadenocarcinoma. Review status: no classification provided. Collection method: in vitro. Allele origin: not applicable. Functional consequence: retained intron. Not counted in ClinVar's aggregate classification.

NM_000051.4(ATM):c.5434G>T (p.Ala1812Ser)

Gene: ATM (ATM serine/threonine kinase; plus strand). Cytogenetic location: 11q22.3.
Variant type: single nucleotide variant.
Coding change: c.5434G>T on transcript NM_000051.4 (MANE Select); coding-DNA position 5434, G replaced by T.
Protein change: p.Ala1812Ser; replaces alanine 1812 with serine.
Molecular consequence: missense variant.
Genome position (GRCh38, 1-based): chr11:108,302,967, G>T. VCF-style: chr11-108302967-G-T. GRCh37 (hg19) VCF-style: chr11-108173694-G-T.
Other names: NC_000011.9:g.108173694G>T; c.5434G>T, p.Ala1812Ser (NM_001351834.2); short protein forms A1812S.
Identifiers: ClinVar variation 4169415 (VCV004169415.2).